The following is an entry in ClinVar:

NM_021098.3(CACNA1H):c.4819C>A (p.Arg1607Ser)

Gene: CACNA1H (calcium voltage-gated channel subunit alpha1 H; plus strand). Cytogenetic location: 16p13.3.
Variant type: single nucleotide variant.
Coding change: c.4819C>A on transcript NM_021098.3 (MANE Select); coding-DNA position 4819, C replaced by A.
Protein change: p.Arg1607Ser; replaces arginine 1607 with serine.
Molecular consequence: missense variant.
Genome position (GRCh38, 1-based): chr16:1,213,821, C>A. VCF-style: chr16-1213821-C-A. GRCh37 (hg19) VCF-style: chr16-1263821-C-A.
Other names: c.4801C>A, p.Arg1601Ser (NM_001005407.2); short protein forms R1607S, R1601S.
Identifiers: ClinVar variation 2930673 (VCV002930673.3), dbSNP rs1315448028, ClinGen allele CA394145181.

ClinVar aggregate classification (germline): Uncertain significance (1 of 4 stars; one submission).

Conditions:
Idiopathic generalized epilepsy. Also called: EIG; Generalised epilepsy. Identifiers: MedGen C0270850, MONDO:0005579, OMIM 600669.
Hyperaldosteronism, familial, type IV (HALD4). Also called: FH IV; ALDOSTERONISM, PRIMARY, AND HYPERTENSION. Identifiers: Orphanet 642671, MedGen C4310756, MONDO:0014875, OMIM 617027.

Submission:

Labcorp Genetics (formerly Invitae), Labcorp
Classification: Uncertain significance for Idiopathic generalized epilepsy; Hyperaldosteronism, familial, type IV. Last evaluated: 2023-08-07. Review status: criteria provided, single submitter. Criteria: Invitae Variant Classification Sherloc (09022015). Collection method: clinical testing. Allele origin: germline.
Comment: In summary, the available evidence is currently insufficient to determine the role of this variant in disease. Therefore, it has been classified as a Variant of Uncertain Significance. This sequence change replaces arginine, which is basic and polar, with serine, which is neutral and polar, at codon 1607 of the CACNA1H protein (p.Arg1607Ser). This variant is not present in population databases (gnomAD no frequency). This variant has not been reported in the literature in individuals affected with CACNA1H-related conditions. Advanced modeling of protein sequence and biophysical properties (such as structural, functional, and spatial information, amino acid conservation, physicochemical variation, residue mobility, and thermodynamic stability) performed at Invitae indicates that this missense variant is expected to disrupt CACNA1H protein function.